The following is an entry in ClinVar:

NM_001031710.3(KLHL7):c.1440A>G (p.Lys480=)

Gene: KLHL7 (kelch like family member 7; plus strand). Cytogenetic location: 7p15.3.
Variant type: single nucleotide variant.
Coding change: c.1440A>G on transcript NM_001031710.3 (MANE Select); coding-DNA position 1440, A replaced by G.
Protein change: p.Lys480=; no amino-acid change (lysine 480 retained).
Molecular consequence: synonymous variant. On other transcripts: non-coding transcript variant (1).
Genome position (GRCh38, 1-based): chr7:23,173,008, A>G. VCF-style: chr7-23173008-A-G. GRCh37 (hg19) VCF-style: chr7-23212627-A-G.
Other names: c.1296A>G, p.Lys432= (NM_018846.5).
Identifiers: ClinVar variation 167216 (VCV000167216.55), dbSNP rs118185564, ClinGen allele CA180142.

ClinVar aggregate classification (germline): Benign/Likely benign. Review status: criteria provided, multiple submitters, no conflicts (2 of 4 stars). 5 submissions from 5 submitters: Benign (4); Likely benign (1). Last evaluated 2026-03-01.

Conditions:
Retinitis pigmentosa (RP). Identifiers: Orphanet 791, MedGen C0035334, MeSH D012174, MONDO:0019200, OMIM 268000. Inheritance: Autosomal dominant, autosomal recessive and X linked inheritance.

Allele frequency attached by ClinVar (database versions not stated): 1000 Genomes Project 30x 0.00312; 1000 Genomes Project 0.00339; TOPMed 0.00339; ESP Exome Variant Server 0.00469; gnomAD 0.00618 and 0.00627; ExAC 0.00716; gnomAD exomes 0.00716 and 0.00726.
gnomAD v4.1: 11,458 of 1,613,768 alleles (0.71%); highest among the groups gnomAD compares: Non-Finnish European, 0.73%; 86 homozygotes.

Submissions (5):

CeGaT Center for Human Genetics Tuebingen
Classification: Likely benign. Last evaluated: 2026-03-01. Review status: criteria provided, single submitter. Criteria: CeGaT Center For Human Genetics Tuebingen Variant Classification Criteria Version 2. Collection method: clinical testing. Allele origin: germline. Affected: yes. Observed: 21 variant alleles.
Comment: KLHL7: BP4, BP7, BS2

Labcorp Genetics (formerly Invitae), Labcorp
Classification: Benign. Last evaluated: 2026-02-01. Review status: criteria provided, single submitter. Criteria: Invitae Variant Classification Sherloc (09022015). Collection method: clinical testing. Allele origin: germline.

ARUP Laboratories, Molecular Genetics and Genomics, ARUP Laboratories
Classification: Benign. Last evaluated: 2023-08-09. Review status: criteria provided, single submitter. Criteria: ARUP Molecular Germline Variant Investigation Process 2024. Collection method: clinical testing. Allele origin: germline.

Illumina Laboratory Services, Illumina
Classification: Benign for Retinitis pigmentosa. Last evaluated: 2018-01-13. Review status: criteria provided, single submitter. Criteria: ICSL Variant Classification Criteria 13 December 2019. Collection method: clinical testing. Allele origin: germline.
Comment: This variant was observed in the ICSL laboratory as part of a predisposition screen in an ostensibly healthy population. It had not been previously curated by ICSL or reported in the Human Gene Mutation Database (HGMD: prior to June 1st, 2018), and was therefore a candidate for classification through an automated scoring system. Utilizing variant allele frequency, disease prevalence and penetrance estimates, and inheritance mode, an automated score was calculated to assess if this variant is too frequent to cause the disease. Based on the score and internal cut-off values, a variant classified as benign is not then subjected to further curation. The score for this variant resulted in a classification of benign for this disease.

Eurofins Ntd Llc (ga)
Classification: Benign. Last evaluated: 2014-01-30. Review status: criteria provided, single submitter. Criteria: EGL Classification Definitions 2015. Collection method: clinical testing. Allele origin: germline. Observed: 1 variant allele, 1 heterozygote.